The following is an entry in ClinVar:

ClinVar aggregate classification (germline): Pathogenic (1 of 4 stars; one submission).

Conditions:
Catecholaminergic polymorphic ventricular tachycardia 1. Also called: RYR2-Related Catecholaminergic Polymorphic Ventricular Tachycardia; VENTRICULAR TACHYCARDIA, STRESS-INDUCED POLYMORPHIC 1; VENTRICULAR TACHYCARDIA, CATECHOLAMINERGIC POLYMORPHIC, 1, WITH OR WITHOUT ATRIAL DYSFUNCTION AND/OR DILATED CARDIOMYOPATHY. Identifiers: Orphanet 3286, MedGen C1631597, MONDO:0011484, OMIM 604772.

Submission:

Labcorp Genetics (formerly Invitae), Labcorp
Classification: Pathogenic for Catecholaminergic polymorphic ventricular tachycardia 1. Last evaluated: 2023-10-13. Review status: criteria provided, single submitter. Criteria: Invitae Variant Classification Sherloc (09022015). Collection method: clinical testing. Allele origin: germline.
Comment: This sequence change affects a donor splice site in intron 10 of the CASQ2 gene. While this variant is not anticipated to result in nonsense mediated decay, it likely alters RNA splicing and results in a disrupted protein product. This variant is not present in population databases (gnomAD no frequency). Disruption of this splice site has been observed in individual(s) with autosomal recessive catecholaminergic polymorphic ventricular tachycardia (PMID: 21618644). It has also been observed to segregate with disease in related individuals. ClinVar contains an entry for this variant (Variation ID: 1457736). Variants that disrupt the consensus splice site are a relatively common cause of aberrant splicing (PMID: 17576681, 9536098). Algorithms developed to predict the effect of sequence changes on RNA splicing suggest that this variant may disrupt the consensus splice site. This variant disrupts a region of the CASQ2 protein in which other variant(s) (p.Trp361*) have been determined to be pathogenic (PMID: 23595086, 30729048). This suggests that this is a clinically significant region of the protein, and that variants that disrupt it are likely to be disease-causing. For these reasons, this variant has been classified as Pathogenic.

Literature cited by the submitters: PubMed 21618644; PubMed 17576681; PubMed 9536098; PubMed 23595086; PubMed 30729048.

NM_001232.4(CASQ2):c.1014+1G>A

Gene: CASQ2 (calsequestrin 2; minus strand). Cytogenetic location: 1p13.1.
Variant type: single nucleotide variant.
Coding change: c.1014+1G>A on transcript NM_001232.4 (MANE Select); the canonical splice donor site of the intron after coding-DNA position 1014, G replaced by A.
Molecular consequence: splice donor variant.
Genome position (GRCh38, 1-based): chr1:115,702,920, C>T on the plus strand (G>A on the coding strand, the complement: CASQ2 is on the minus strand). VCF-style: chr1-115702920-C-T. GRCh37 (hg19) VCF-style: chr1-116245541-C-T.
Identifiers: ClinVar variation 1457736 (VCV001457736.9), dbSNP rs1654250819, ClinGen allele CA341766565.